The following is an entry in ClinVar:

NM_004415.4(DSP):c.3743A>T (p.Asp1248Val)

Gene: DSP (desmoplakin; plus strand). Cytogenetic location: 6p24.3.
Variant type: single nucleotide variant.
Coding change: c.3743A>T on transcript NM_004415.4 (MANE Select); coding-DNA position 3743, A replaced by T.
Protein change: p.Asp1248Val; replaces aspartic acid 1248 with valine.
Molecular consequence: missense variant. On other transcripts: intron variant (1).
Genome position (GRCh38, 1-based): chr6:7,579,933, A>T. VCF-style: chr6-7579933-A-T. GRCh37 (hg19) VCF-style: chr6-7580166-A-T.
Other names: c.3743A>T, p.Asp1248Val (NM_001319034.2); c.3582+161A>T (NM_001008844.3); short protein forms D1248V.
Identifiers: ClinVar variation 4874593 (VCV004874593.2).

ClinVar aggregate classification (germline): Uncertain significance (1 of 4 stars; one submission).

Submission:

CeGaT Center for Human Genetics Tuebingen
Classification: Uncertain significance. Last evaluated: 2026-04-01. Review status: criteria provided, single submitter. Criteria: CeGaT Center For Human Genetics Tuebingen Variant Classification Criteria Version 2. Collection method: clinical testing. Allele origin: germline. Affected: yes. Observed: 1 variant allele.
Comment: DSP: PM2